The following is an entry in ClinVar:

NM_000094.4(COL7A1):c.3190G>A (p.Asp1064Asn)

Gene: COL7A1 (collagen type VII alpha 1 chain; minus strand). Cytogenetic location: 3p21.31.
Variant type: single nucleotide variant.
Coding change: c.3190G>A on transcript NM_000094.4 (MANE Select); coding-DNA position 3190, G replaced by A.
Protein change: p.Asp1064Asn; replaces aspartic acid 1064 with asparagine.
Molecular consequence: missense variant.
Genome position (GRCh38, 1-based): chr3:48,587,058, C>T on the plus strand (G>A on the coding strand, the complement: COL7A1 is on the minus strand). VCF-style: chr3-48587058-C-T. GRCh37 (hg19) VCF-style: chr3-48624491-C-T.
Other names: short protein forms D1064N.
Identifiers: ClinVar variation 4740151 (VCV004740151.1).

ClinVar aggregate classification (germline): Uncertain significance (1 of 4 stars; one submission).

gnomAD v4.1: 2 of 1,610,426 alleles (0.00012%); highest among the groups gnomAD compares: East Asian, 0.0022%; no homozygotes.

Submission:

Labcorp Genetics (formerly Invitae), Labcorp
Classification: Uncertain significance. Last evaluated: 2025-06-01. Review status: criteria provided, single submitter. Criteria: Invitae Variant Classification Sherloc (09022015). Collection method: clinical testing. Allele origin: germline.
Comment: This sequence change replaces aspartic acid, which is acidic and polar, with asparagine, which is neutral and polar, at codon 1064 of the COL7A1 protein (p.Asp1064Asn). This variant is not present in population databases (gnomAD no frequency). This variant has not been reported in the literature in individuals affected with COL7A1-related conditions. Invitae Evidence Modeling of protein sequence and biophysical properties (such as structural, functional, and spatial information, amino acid conservation, physicochemical variation, residue mobility, and thermodynamic stability) indicates that this missense variant is not expected to disrupt COL7A1 protein function with a negative predictive value of 95%. In summary, the available evidence is currently insufficient to determine the role of this variant in disease. Therefore, it has been classified as a Variant of Uncertain Significance.